The following is an entry in ClinVar:

ClinVar aggregate classification (germline): Likely benign. Review status: criteria provided, single submitter (1 of 4 stars). 2 submissions from 2 submitters: Likely benign (1). 1 of the submissions does not count toward it. Last evaluated 2025-08-18.

Conditions:
CFD-related disorder. Also called: CFD-related condition.

Allele frequency attached by ClinVar (database versions not stated): TOPMed 0.00011.

Submissions (2):

Labcorp Genetics (formerly Invitae), Labcorp
Classification: Likely benign. Last evaluated: 2025-08-18. Review status: criteria provided, single submitter. Criteria: Invitae Variant Classification Sherloc (09022015). Collection method: clinical testing. Allele origin: germline.

PreventionGenetics, part of Exact Sciences
Classification: Likely benign for CFD-related condition. Last evaluated: 2020-04-07. Review status: no assertion criteria provided. Collection method: clinical testing. Allele origin: germline. Not counted in ClinVar's aggregate classification.
Comment: This variant is classified as likely benign based on ACMG/AMP sequence variant interpretation guidelines (Richards et al. 2015 PMID: 25741868, with internal and published modifications).

NM_001928.4(CFD):c.744C>A (p.Ile248=)

Gene: CFD (complement factor D; plus strand). Cytogenetic location: 19p13.3.
Variant type: single nucleotide variant.
Coding change: c.744C>A on transcript NM_001928.4 (MANE Select); coding-DNA position 744, C replaced by A.
Protein change: p.Ile248=; no amino-acid change (isoleucine 248 retained).
Molecular consequence: synonymous variant.
Genome position (GRCh38, 1-based): chr19:863,220, C>A. VCF-style: chr19-863220-C-A. GRCh37 (hg19) VCF-style: chr19-863220-C-A.
Other names: c.765C>A, p.Ile255= (NM_001317335.2).
Identifiers: ClinVar variation 753964 (VCV000753964.8), dbSNP rs2230216, ClinGen allele CA9026466.